The following is an entry in ClinVar:

ClinVar aggregate classification (germline): Uncertain significance. Review status: criteria provided, multiple submitters, no conflicts (2 of 4 stars). 2 submissions from 2 submitters: Uncertain significance (2). Last evaluated 2025-10-30.

Conditions:
Hereditary cancer-predisposing syndrome. Also called: Hereditary neoplastic syndrome; Neoplastic Syndromes, Hereditary; Tumor predisposition; Hereditary Cancer Syndrome. Identifiers: Orphanet 140162, MedGen C0027672, MeSH D009386, MONDO:0015356.

Submissions (2):

Ambry Genetics
Classification: Uncertain significance for Hereditary cancer-predisposing syndrome. Last evaluated: 2025-10-30. Review status: criteria provided, single submitter. Criteria: Ambry Variant Classification Scheme 2023. Collection method: clinical testing. Allele origin: germline.
Comment: The p.S460T variant (also known as c.1379G>C), located in coding exon 13 of the FANCC gene, results from a G to C substitution at nucleotide position 1379. The serine at codon 460 is replaced by threonine, an amino acid with similar properties. This amino acid position is conserved. In addition, this alteration is predicted to be tolerated by in silico analysis. Based on the available evidence, the clinical significance of this variant remains unclear.

GeneDx
Classification: Uncertain significance. Last evaluated: 2024-04-05. Review status: criteria provided, single submitter. Criteria: GeneDx Variant Classification Process June 2021. Collection method: clinical testing. Allele origin: germline.
Comment: Not observed at significant frequency in large population cohorts (gnomAD); In silico analysis supports that this missense variant does not alter protein structure/function; Has not been previously published as pathogenic or benign to our knowledge

NM_000136.3(FANCC):c.1379G>C (p.Ser460Thr)

Genes: AOPEP (aminopeptidase O (putative); plus strand), FANCC (FA complementation group C; minus strand). Cytogenetic location: 9q22.32.
Variant type: single nucleotide variant.
Coding change: c.1379G>C on transcript NM_000136.3 (MANE Select); coding-DNA position 1379, G replaced by C.
Protein change: p.Ser460Thr; replaces serine 460 with threonine.
Molecular consequence: missense variant.
Genome position (GRCh38, 1-based): chr9:95,107,220, C>G on the plus strand (G>C on the coding strand, the complement: FANCC is on the minus strand). VCF-style: chr9-95107220-C-G. GRCh37 (hg19) VCF-style: chr9-97869502-C-G.
Other names: c.1379G>C, p.Ser460Thr (NM_001243743.2); short protein forms S460T.
Identifiers: ClinVar variation 2580700 (VCV002580700.3), dbSNP rs748938789, ClinGen allele CA374106197.